The following is an entry in ClinVar:

ClinVar aggregate classification (germline): Likely benign (1 of 4 stars; one submission).

Allele frequency attached by ClinVar (database versions not stated): gnomAD exomes below 0.00001.
gnomAD v4.1: 2 of 1,571,672 alleles (0.00013%); highest among the groups gnomAD compares: Non-Finnish European, 0.00017%; no homozygotes.

Submission:

Women's Health and Genetics/Laboratory Corporation of America, LabCorp
Classification: Likely benign. Last evaluated: 2024-01-04. Review status: criteria provided, single submitter. Criteria: LabCorp Variant Classification Summary - May 2015. Collection method: clinical testing. Allele origin: germline.
Comment: Variant summary: TTN c.12323-16C>G alters a non-conserved nucleotide located at a position not widely known to affect splicing. Computational tools predict a weak impact on normal splicing: two predict the variant weakens the 3' acceptor site. However, these predictions have yet to be confirmed by functional studies. The variant allele was found at a frequency of 3.4e-06 in 582366 control chromosomes (gnomAD v4.0). The available data on variant occurrences in the general population are insufficient to allow any conclusion about variant significance. To our knowledge, no occurrence of c.12323-16C>G in individuals affected with Limb-Girdle Muscular Dystrophy, Type 2J and no experimental evidence demonstrating its impact on protein function have been reported. No submitters have cited clinical-significance assessments for this variant to ClinVar after 2014. Based on the evidence outlined above, the variant was classified as likely benign.

NM_001267550.2(TTN):c.16055-16C>G

Gene: TTN (titin; minus strand). Cytogenetic location: 2q31.2.
Variant type: single nucleotide variant.
Coding change: c.16055-16C>G on transcript NM_001267550.2 (MANE Select); 16 bases into the intron before coding-DNA position 16055, C replaced by G.
Molecular consequence: intron variant.
Genome position (GRCh38, 1-based): chr2:178,733,137, G>C on the plus strand (C>G on the coding strand, the complement: TTN is on the minus strand). VCF-style: chr2-178733137-G-C. GRCh37 (hg19) VCF-style: chr2-179597864-G-C.
Other names: c.13282+4945C>G (NM_003319.4); c.13858+4945C>G (NM_133437.4); c.13657+4945C>G (NM_133432.3); c.12323-16C>G (NM_133378.4); c.15104-16C>G (NM_001256850.1).
Identifiers: ClinVar variation 3063772 (VCV003063772.1), dbSNP rs2530180913, ClinGen allele CA2662154677.